The following is an entry in ClinVar:

NM_000079.4(CHRNA1):c.364A>G (p.Ile122Val)

Gene: CHRNA1 (cholinergic receptor nicotinic alpha 1 subunit; minus strand). Cytogenetic location: 2q31.1.
Variant type: single nucleotide variant.
Coding change: c.364A>G on transcript NM_000079.4 (MANE Select); coding-DNA position 364, A replaced by G.
Protein change: p.Ile122Val; replaces isoleucine 122 with valine.
Molecular consequence: missense variant.
Genome position (GRCh38, 1-based): chr2:174,754,395, T>C on the plus strand (A>G on the coding strand, the complement: CHRNA1 is on the minus strand). VCF-style: chr2-174754395-T-C. GRCh37 (hg19) VCF-style: chr2-175619123-T-C.
Other names: c.439A>G, p.Ile147Val (NM_001039523.3); short protein forms I147V, I122V.
Identifiers: ClinVar variation 4780820 (VCV004780820.1).

ClinVar aggregate classification (germline): Uncertain significance (1 of 4 stars; one submission).

Conditions:
Lethal multiple pterygium syndrome (LMPS). Identifiers: Orphanet 33108, MedGen C1854678, MONDO:0009668, OMIM 253290.

Submission:

Labcorp Genetics (formerly Invitae), Labcorp
Classification: Uncertain significance for Lethal multiple pterygium syndrome. Last evaluated: 2025-12-15. Review status: criteria provided, single submitter. Criteria: Invitae Variant Classification Sherloc (09022015). Collection method: clinical testing. Allele origin: germline.
Comment: This sequence change replaces isoleucine, which is neutral and non-polar, with valine, which is neutral and non-polar, at codon 122 of the CHRNA1 protein (p.Ile122Val). This variant is present in population databases (rs770274911, gnomAD 0.002%). This variant has not been reported in the literature in individuals affected with CHRNA1-related conditions. Invitae Evidence Modeling of protein sequence and biophysical properties (such as structural, functional, and spatial information, amino acid conservation, physicochemical variation, residue mobility, and thermodynamic stability) indicates that this missense variant is not expected to disrupt CHRNA1 protein function with a negative predictive value of 80%. In summary, the available evidence is currently insufficient to determine the role of this variant in disease. Therefore, it has been classified as a Variant of Uncertain Significance.